The following is an entry in ClinVar:

NM_032638.5(GATA2):c.26G>A (p.Arg9His)

Gene: GATA2 (GATA binding protein 2; minus strand). Cytogenetic location: 3q21.3.
Variant type: single nucleotide variant.
Coding change: c.26G>A on transcript NM_032638.5 (MANE Select); coding-DNA position 26, G replaced by A.
Protein change: p.Arg9His; replaces arginine 9 with histidine.
Molecular consequence: missense variant.
Genome position (GRCh38, 1-based): chr3:128,487,006, C>T on the plus strand (G>A on the coding strand, the complement: GATA2 is on the minus strand). VCF-style: chr3-128487006-C-T. GRCh37 (hg19) VCF-style: chr3-128205849-C-T.
Other names: c.26G>A, p.Arg9His (NM_001145661.2, NM_001145662.1); short protein forms R9H.
Identifiers: ClinVar variation 2952204 (VCV002952204.3), dbSNP rs1392814696, ClinGen allele CA354409256.
Genomic context (GRCh38, chr3:128,487,006, plus strand): 5'-AGGCCCGGGTGGTGTGAGTCGGGGTGCTGCGCATTCAGCACGGCCGGGTGCGCCATCCAG[C>T]GCGGCTGCTCGGGCGCCACCTCCATGGCCGGCGGCGGCGGCTCAGGGTCTGGGTGCAGAC-3'
Protein context (NP_116027.2, residues 1-19): MEVAPEQP[Arg9His]WMAHPAVLNA

ClinVar aggregate classification (germline): Uncertain significance (1 of 4 stars; one submission).

Conditions:
Monocytopenia with susceptibility to infections. Also called: MONOCYTOPENIA AND MYCOBACTERIAL INFECTION SYNDROME; MONOCYTOPENIA WITH SUSCEPTIBILITY TO MYCOBACTERIAL, FUNGAL, AND PAPILLOMAVIRUS INFECTIONS AND MYELODYSPLASIA; COMBINED IMMUNODEFICIENCY WITH SUSCEPTIBILITY TO MYCOBACTERIAL, VIRAL, AND FUNGAL INFECTIONS; Dendritic cell, monocyte, B lymphocyte, and natural killer lymphocyte deficiency; IMMUNODEFICIENCY 21; GATA2 DEFICIENCY. Identifiers: Orphanet 228423, MedGen C3280030, MONDO:0013607, OMIM 614172.
Deafness-lymphedema-leukemia syndrome. Also called: Lymphedema, primary, with myelodysplasia; Emberger syndrome. Identifiers: Orphanet 3226, MedGen C3279664, MONDO:0013540, OMIM 614038.

Submission:

Labcorp Genetics (formerly Invitae), Labcorp
Classification: Uncertain significance for Monocytopenia with susceptibility to infections; Deafness-lymphedema-leukemia syndrome. Last evaluated: 2023-09-23. Review status: criteria provided, single submitter. Criteria: Invitae Variant Classification Sherloc (09022015). Collection method: clinical testing. Allele origin: germline.
Comment: This variant is not present in population databases (gnomAD no frequency). In summary, the available evidence is currently insufficient to determine the role of this variant in disease. Therefore, it has been classified as a Variant of Uncertain Significance. Advanced modeling of protein sequence and biophysical properties (such as structural, functional, and spatial information, amino acid conservation, physicochemical variation, residue mobility, and thermodynamic stability) has been performed at Invitae for this missense variant, however the output from this modeling did not meet the statistical confidence thresholds required to predict the impact of this variant on GATA2 protein function. This variant has not been reported in the literature in individuals affected with GATA2-related conditions. This sequence change replaces arginine, which is basic and polar, with histidine, which is basic and polar, at codon 9 of the GATA2 protein (p.Arg9His).